The following is an entry in ClinVar:

ClinVar aggregate classification (germline): Uncertain significance (1 of 4 stars; one submission).

Conditions:
Deficiency of adenosine deaminase 2. Also called: Polyarteritis nodosa, childhoood-onset; Adenosine Deaminase 2 Deficiency; VASCULITIS, AUTOINFLAMMATION, IMMUNODEFICIENCY, AND HEMATOLOGIC DEFECTS SYNDROME. Identifiers: Orphanet 404553, MedGen C3887654, MONDO:0014306, OMIM 615688, MONDO:0100317.

Allele frequency attached by ClinVar (database versions not stated): gnomAD exomes below 0.00001.
gnomAD v4.1: 1 of 1,613,756 alleles (0.000062%); highest among the groups gnomAD compares: Non-Finnish European, 0.000085%; no homozygotes.

Submission:

Labcorp Genetics (formerly Invitae), Labcorp
Classification: Uncertain significance for Deficiency of adenosine deaminase 2. Last evaluated: 2022-06-09. Review status: criteria provided, single submitter. Criteria: Invitae Variant Classification Sherloc (09022015). Collection method: clinical testing. Allele origin: germline.
Comment: In summary, the available evidence is currently insufficient to determine the role of this variant in disease. Therefore, it has been classified as a Variant of Uncertain Significance. Algorithms developed to predict the effect of sequence changes on RNA splicing suggest that this variant may create or strengthen a splice site. Algorithms developed to predict the effect of missense changes on protein structure and function (SIFT, PolyPhen-2, Align-GVGD) all suggest that this variant is likely to be tolerated. This variant has not been reported in the literature in individuals affected with ADA2-related conditions. This variant is not present in population databases (gnomAD no frequency). This sequence change replaces valine, which is neutral and non-polar, with leucine, which is neutral and non-polar, at codon 189 of the ADA2 protein (p.Val189Leu).

NM_001282225.2(ADA2):c.565G>T (p.Val189Leu)

Gene: ADA2 (adenosine deaminase 2; minus strand). Cytogenetic location: 22q11.1.
Variant type: single nucleotide variant.
Coding change: c.565G>T on transcript NM_001282225.2 (MANE Select); coding-DNA position 565, G replaced by T.
Protein change: p.Val189Leu; replaces valine 189 with leucine.
Molecular consequence: missense variant.
Genome position (GRCh38, 1-based): chr22:17,203,751, C>A on the plus strand (G>T on the coding strand, the complement: ADA2 is on the minus strand). VCF-style: chr22-17203751-C-A. GRCh37 (hg19) VCF-style: chr22-17684641-C-A.
Other names: c.565G>T, p.Val189Leu (NM_001282226.2); c.439G>T, p.Val147Leu (NM_001282227.2, NM_001282228.2); c.205G>T, p.Val69Leu (NM_001282229.2); short protein forms V189L, V69L, V147L.
Identifiers: ClinVar variation 2161215 (VCV002161215.2), dbSNP rs571335153, ClinGen allele CA321162858.